The following is an entry in ClinVar:

NM_058246.4(DNAJB6):c.602G>A (p.Arg201Lys)

Gene: DNAJB6 (DnaJ heat shock protein family (Hsp40) member B6; plus strand). Cytogenetic location: 7q36.3.
Variant type: single nucleotide variant.
Coding change: c.602G>A on transcript NM_058246.4 (MANE Select); coding-DNA position 602, G replaced by A.
Protein change: p.Arg201Lys; replaces arginine 201 with lysine.
Molecular consequence: missense variant. On other transcripts: intron variant (1).
Genome position (GRCh38, 1-based): chr7:157,384,990, G>A. VCF-style: chr7-157384990-G-A. GRCh37 (hg19) VCF-style: chr7-157177684-G-A.
Other names: c.602G>A, p.Arg201Lys (NM_005494.3); c.346+17507G>A (NM_001363676.1); short protein forms R201K.
Identifiers: ClinVar variation 286265 (VCV000286265.47), dbSNP rs373070679, ClinGen allele CA4590563.

ClinVar aggregate classification (germline): Conflicting classifications of pathogenicity. Review status: criteria provided, conflicting classifications (1 of 4 stars). 7 submissions from 7 submitters: Uncertain significance (4); Likely benign (3). Last evaluated 2025-11-16.

Conditions:
Inborn genetic diseases. Identifiers: MedGen C0950123, MeSH D030342.
Muscular dystrophy, limb-girdle, autosomal dominant. Also called: Autosomal dominant form of limb-girdle muscular dystrophy. Identifiers: Orphanet 102014, MedGen C5675009, MONDO:0015151.
Autosomal dominant limb-girdle muscular dystrophy type 1D (DNAJB6) (LGMDD1). Also called: MUSCULAR DYSTROPHY, LIMB-GIRDLE, TYPE 1D; MUSCULAR DYSTROPHY, AUTOSOMAL DOMINANT, WITH RIMMED VACUOLES; Autosomal dominant limb-girdle muscular dystrophy type 1D; Muscular dystrophy, limb-girdle, autosomal dominant 1. Identifiers: Orphanet 34516, MedGen C4721885, MONDO:0021018, OMIM 603511.

Allele frequency attached by ClinVar (database versions not stated): ESP Exome Variant Server 0.00008; gnomAD exomes 0.00008 and 0.00011; gnomAD 0.00009 and 0.00010; ExAC 0.00011; TOPMed 0.00015.

Submissions (7):

Labcorp Genetics (formerly Invitae), Labcorp
Classification: Uncertain significance for Autosomal dominant limb-girdle muscular dystrophy type 1D (DNAJB6). Last evaluated: 2025-11-16. Review status: criteria provided, single submitter. Criteria: Invitae Variant Classification Sherloc (09022015). Collection method: clinical testing. Allele origin: germline.
Comment: This sequence change replaces arginine, which is basic and polar, with lysine, which is basic and polar, at codon 201 of the DNAJB6 protein (p.Arg201Lys). This variant is present in population databases (rs373070679, gnomAD 0.02%). This variant has not been reported in the literature in individuals affected with DNAJB6-related conditions. ClinVar contains an entry for this variant (Variation ID: 286265). Invitae Evidence Modeling of protein sequence and biophysical properties (such as structural, functional, and spatial information, amino acid conservation, physicochemical variation, residue mobility, and thermodynamic stability) indicates that this missense variant is not expected to disrupt DNAJB6 protein function with a negative predictive value of 80%. In summary, the available evidence is currently insufficient to determine the role of this variant in disease. Therefore, it has been classified as a Variant of Uncertain Significance.

Ambry Genetics
Classification: Uncertain significance for Inborn genetic diseases. Last evaluated: 2025-08-10. Review status: criteria provided, single submitter. Criteria: Ambry Variant Classification Scheme 2023. Collection method: clinical testing. Allele origin: germline.

Blueprint Genetics
Classification: Likely benign. Last evaluated: 2024-09-13. Review status: criteria provided, single submitter. Criteria: ACMG Guidelines, 2015. Collection method: clinical testing. Allele origin: germline.

CeGaT Center for Human Genetics Tuebingen
Classification: Uncertain significance. Last evaluated: 2023-10-01. Review status: criteria provided, single submitter. Criteria: CeGaT Center For Human Genetics Tuebingen Variant Classification Criteria Version 2. Collection method: clinical testing. Allele origin: germline. Affected: yes. Observed: 1 variant allele.

GeneDx
Classification: Likely benign. Last evaluated: 2021-02-15. Review status: criteria provided, single submitter. Criteria: GeneDx Variant Classification Process June 2021. Collection method: clinical testing. Allele origin: germline. Affected: yes.

Department of Pathology and Laboratory Medicine, Sinai Health System
Classification: Uncertain significance for muscular dystrophy, limb-girdle, autosomal dominant. Last evaluated: 2020-06-01. Review status: criteria provided, single submitter. Criteria: ACMG Guidelines, 2015. Collection method: research. Allele origin: germline.

Eurofins Ntd Llc (ga)
Classification: Likely benign. Last evaluated: 2016-12-06. Review status: criteria provided, single submitter. Criteria: EGL Classification Definitions 2015. Collection method: clinical testing. Allele origin: germline. Observed: 2 variant alleles, 2 heterozygotes.